The following is an entry in ClinVar:

NM_000143.4(FH):c.310G>T (p.Ala104Ser)

Gene: FH (fumarate hydratase; minus strand). Cytogenetic location: 1q43.
Variant type: single nucleotide variant.
Coding change: c.310G>T on transcript NM_000143.4 (MANE Select); coding-DNA position 310, G replaced by T.
Protein change: p.Ala104Ser; replaces alanine 104 with serine.
Molecular consequence: missense variant.
Genome position (GRCh38, 1-based): chr1:241,513,671, C>A on the plus strand (G>T on the coding strand, the complement: FH is on the minus strand). VCF-style: chr1-241513671-C-A. GRCh37 (hg19) VCF-style: chr1-241676971-C-A.
Other names: short protein forms A104S.
Identifiers: ClinVar variation 3278746 (VCV003278746.1).

ClinVar aggregate classification (germline): Uncertain significance (1 of 4 stars; one submission).

Conditions:
Hereditary cancer-predisposing syndrome. Also called: Tumor predisposition; Hereditary Cancer Syndrome; Hereditary neoplastic syndrome; Neoplastic Syndromes, Hereditary. Identifiers: Orphanet 140162, MedGen C0027672, MeSH D009386, MONDO:0015356.

Submission:

Ambry Genetics
Classification: Uncertain significance for Hereditary cancer-predisposing syndrome. Last evaluated: 2024-05-15. Review status: criteria provided, single submitter. Criteria: Ambry Variant Classification Scheme 2023. Collection method: clinical testing. Allele origin: germline.
Comment: The p.A104S variant (also known as c.310G>T), located in coding exon 3 of the FH gene, results from a G to T substitution at nucleotide position 310. The alanine at codon 104 is replaced by serine, an amino acid with similar properties. This amino acid position is conserved. In addition, this alteration is predicted to be deleterious by in silico analysis. Based on the available evidence, the clinical significance of this variant remains unclear.